The following is an entry in ClinVar:

NM_016239.4(MYO15A):c.7414C>T (p.Gln2472Ter)

Gene: MYO15A (myosin XVA; plus strand). Cytogenetic location: 17p11.2.
Variant type: single nucleotide variant.
Coding change: c.7414C>T on transcript NM_016239.4 (MANE Select); coding-DNA position 7414, C replaced by T.
Protein change: p.Gln2472Ter; replaces glutamine 2472 with a stop codon.
Molecular consequence: nonsense.
Genome position (GRCh38, 1-based): chr17:18,150,854, C>T. VCF-style: chr17-18150854-C-T. GRCh37 (hg19) VCF-style: chr17-18054168-C-T.
Other names: short protein forms Q2472*.
Identifiers: ClinVar variation 3601389 (VCV003601389.1).
Genomic context (GRCh38, chr17:18,150,854, plus strand): 5'-GGAGAATGGACCTGCCTGGTCACCACTGCCACCTCTCCCCAGGCCCGGGAGATGACCCTG[C>T]AGGCCACGGCACTCCAGCAGCAGCCCCTGAGTGCTGCCCTGAGATCCTTGCCCGCAGAGG-3'

ClinVar aggregate classification (germline): Likely pathogenic (1 of 4 stars; one submission).

Conditions:
Autosomal recessive nonsyndromic hearing loss 3. Also called: NEUROSENSORY NONSYNDROMIC RECESSIVE DEAFNESS 3. Identifiers: Orphanet 90636, MedGen C1838263, MONDO:0010860, OMIM 600316.

Submission:

Institute of Rare Diseases, West China Hospital, Sichuan University
Classification: Likely pathogenic for Autosomal recessive nonsyndromic hearing loss 3. Last evaluated: 2025-01-09. Review status: criteria provided, single submitter. Criteria: ClinGen HL ACMG Specifications v1. Collection method: research. Allele origin: germline. Affected: yes.
Comment: PVS1;PM2_Supporting